The following is an entry in ClinVar:

ClinVar aggregate classification (germline): Benign/Likely benign. Review status: criteria provided, multiple submitters, no conflicts (2 of 4 stars). 9 submissions from 8 submitters: Benign (7); Likely benign (2). Last evaluated 2026-09-01.

Conditions:
LAMB2-related infantile-onset nephrotic syndrome. Also called: NEPHROTIC SYNDROME, TYPE 5, WITHOUT OCULAR ABNORMALITIES; NEPHROTIC SYNDROME, TYPE 5, WITH OCULAR ABNORMALITIES; Nephrotic Syndrome, type 5. Identifiers: Orphanet 306507, MedGen C3280113, MONDO:0013621, OMIM 614199.
Pierson syndrome. Also called: MICROCORIA-CONGENITAL NEPHROTIC SYNDROME. Identifiers: Orphanet 2670, MedGen C1836876, MONDO:0012184, OMIM 609049.
Kidney disorder. Also called: Kidney disease; Kidney Diseases; renal disorder; renal disease; Nephropathy. Identifiers: MedGen C0022658, MONDO:0005240, HP:0000112.

Allele frequency attached by ClinVar (database versions not stated): 1000 Genomes Project 30x 0.00625; 1000 Genomes Project 0.00639; TOPMed 0.01176; ESP Exome Variant Server 0.01199; gnomAD 0.01267 and 0.01347.
gnomAD v4.1: 28,442 of 1,609,380 alleles (1.8%); highest among the groups gnomAD compares: Non-Finnish European, 2.2%; 333 homozygotes.

Submissions (9):

CeGaT Center for Human Genetics Tuebingen
Classification: Benign. Last evaluated: 2026-09-01. Review status: criteria provided, single submitter. Criteria: CeGaT Center For Human Genetics Tuebingen Variant Classification Criteria Version 2. Collection method: clinical testing. Allele origin: germline. Affected: yes. Observed: 15 variant alleles.
Comment: LAMB2: BP4, BS1, BS2

Labcorp Genetics (formerly Invitae), Labcorp
Classification: Benign for LAMB2-related infantile-onset nephrotic syndrome; Pierson syndrome. Last evaluated: 2026-02-01. Review status: criteria provided, single submitter. Criteria: Invitae Variant Classification Sherloc (09022015). Collection method: clinical testing. Allele origin: germline.

Blueprint Genetics
Classification: Likely benign. Last evaluated: 2024-11-26. Review status: criteria provided, single submitter. Criteria: ACMG Guidelines, 2015. Collection method: clinical testing. Allele origin: germline.

Mayo Clinic Laboratories, Mayo Clinic
Classification: Benign. Last evaluated: 2023-11-03. Review status: criteria provided, single submitter. Criteria: ACMG Guidelines, 2015. Collection method: clinical testing. Allele origin: germline. Observed: 15 variant alleles.
Comment: BS1, BS2, BP4_strong

Illumina Laboratory Services, Illumina
Classification: Benign for LAMB2-related infantile-onset nephrotic syndrome. Last evaluated: 2017-04-27. Review status: criteria provided, single submitter. Criteria: ICSL Variant Classification Criteria 13 December 2019. Collection method: clinical testing. Allele origin: germline.
Comment: This variant was observed as part of a predisposition screen in an ostensibly healthy population. A literature search was performed for the gene, cDNA change, and amino acid change (where applicable). Publications were found based on this search. The evidence from the literature, in combination with allele frequency data from public databases where available, was sufficient to rule this variant out of causing disease. Therefore, this variant is classified as benign.

Illumina Laboratory Services, Illumina
Classification: Benign for Pierson syndrome. Last evaluated: 2017-04-27. Review status: criteria provided, single submitter. Criteria: ICSL Variant Classification Criteria 13 December 2019. Collection method: clinical testing. Allele origin: germline.
Comment: This variant was observed as part of a predisposition screen in an ostensibly healthy population. A literature search was performed for the gene, cDNA change, and amino acid change (where applicable). No publications were found based on this search. Allele frequency data from public databases was too high to be consistent with this variant causing disease. Therefore, this variant is classified as benign.

Genome Diagnostics Laboratory, The Hospital for Sick Children
Classification: Likely benign for Kidney disorder. Last evaluated: 2016-12-12. Review status: criteria provided, single submitter. Criteria: ACMG Guidelines, 2015. Collection method: clinical testing. Allele origin: germline.

Breakthrough Genomics
Classification: Benign. Review status: criteria provided, single submitter. Criteria: ACMG Guidelines, 2015. Collection method: not provided. Allele origin: germline. Inheritance: Autosomal recessive inheritance. Affected: yes.

PreventionGenetics, part of Exact Sciences
Classification: Benign. Review status: criteria provided, single submitter. Criteria: ACMG Guidelines, 2015. Collection method: clinical testing. Allele origin: germline.

Literature cited by the submitters: PubMed 26248470 (cited by Mayo Clinic Laboratories, Mayo Clinic and Illumina Laboratory Services, Illumina); PubMed 20556798 (cited by Illumina Laboratory Services, Illumina); PubMed 21763483 (cited by Illumina Laboratory Services, Illumina); PubMed 27858192 (cited by Illumina Laboratory Services, Illumina); PubMed 23349334 (cited by Illumina Laboratory Services, Illumina).

NM_002292.4(LAMB2):c.1724G>A (p.Arg575Gln)

Gene: LAMB2 (laminin subunit beta 2; minus strand). Cytogenetic location: 3p21.31.
Variant type: single nucleotide variant.
Coding change: c.1724G>A on transcript NM_002292.4 (MANE Select); coding-DNA position 1724, G replaced by A.
Protein change: p.Arg575Gln; replaces arginine 575 with glutamine.
Molecular consequence: missense variant.
Genome position (GRCh38, 1-based): chr3:49,129,027, C>T on the plus strand (G>A on the coding strand, the complement: LAMB2 is on the minus strand). VCF-style: chr3-49129027-C-T. GRCh37 (hg19) VCF-style: chr3-49166460-C-T.
Other names: p.Arg575Gln; short protein forms R575Q.
Identifiers: ClinVar variation 258599 (VCV000258599.44), dbSNP rs61729152, ClinGen allele CA2394524.